The following is an entry in ClinVar:

ClinVar aggregate classification (germline): Benign/Likely benign. Review status: criteria provided, multiple submitters, no conflicts (2 of 4 stars). 4 submissions from 4 submitters: Benign (2); Likely benign (2). Last evaluated 2026-08-10.

Conditions:
MME-related disorder. Also called: MME-related condition.

Allele frequency attached by ClinVar (database versions not stated): gnomAD exomes 0.00019 and 0.00053; ExAC 0.00065; gnomAD 0.00194 and 0.00208; 1000 Genomes Project 0.00220; TOPMed 0.00230; 1000 Genomes Project 30x 0.00250; ESP Exome Variant Server 0.00261.
gnomAD v4.1: 589 of 1,613,576 alleles (0.037%); highest among the groups gnomAD compares: African/African-American, 0.7%; 4 homozygotes.

Submissions (4):

PreventionGenetics, part of Exact Sciences
Classification: Benign for MME-related condition. Last evaluated: 2026-08-10. Review status: criteria provided, single submitter. Criteria: ACMG Guidelines, 2015. Collection method: clinical testing. Allele origin: germline.
Comment: This variant is classified as benign based on ACMG/AMP sequence variant interpretation guidelines (Richards et al. 2015 PMID: 25741868, with internal and published modifications).

Labcorp Genetics (formerly Invitae), Labcorp
Classification: Benign. Last evaluated: 2025-12-26. Review status: criteria provided, single submitter. Criteria: Invitae Variant Classification Sherloc (09022015). Collection method: clinical testing. Allele origin: germline.

Blueprint Genetics
Classification: Likely benign. Last evaluated: 2024-10-08. Review status: criteria provided, single submitter. Criteria: ACMG Guidelines, 2015. Collection method: clinical testing. Allele origin: germline.

GeneDx
Classification: Likely benign. Last evaluated: 2019-07-24. Review status: criteria provided, single submitter. Criteria: GeneDx Variant Classification Process June 2021. Collection method: clinical testing. Allele origin: germline. Affected: yes.

NM_007289.4(MME):c.786G>A (p.Leu262=)

Gene: MME (membrane metalloendopeptidase; plus strand). Cytogenetic location: 3q25.2.
Variant type: single nucleotide variant.
Coding change: c.786G>A on transcript NM_007289.4 (MANE Select); coding-DNA position 786, G replaced by A.
Protein change: p.Leu262=; no amino-acid change (leucine 262 retained).
Molecular consequence: synonymous variant.
Genome position (GRCh38, 1-based): chr3:155,138,167, G>A. VCF-style: chr3-155138167-G-A. GRCh37 (hg19) VCF-style: chr3-154855956-G-A.
Other names: c.786G>A, p.Leu262= (NM_007288.3, NM_000902.5, NM_001354642.2 and 2 more transcripts).
Identifiers: ClinVar variation 716853 (VCV000716853.14), dbSNP rs34147103, ClinGen allele CA2675275.